The following is an entry in ClinVar:

NM_001605.3(AARS1):c.663_671+22dup

Gene: AARS1 (alanyl-tRNA synthetase 1; minus strand). Cytogenetic location: 16q22.1.
Variant type: Duplication.
Coding change: c.663_671+22dup on transcript NM_001605.3 (MANE Select); coding-DNA position 663 through 22 bases into the intron after coding-DNA position 671, 31 bases duplicated.
Molecular consequence: splice donor variant.
Genome position (GRCh38, 1-based): chr16:70,271,759-70,271,789, 31 bases duplicated; duplicating any 31 consecutive bases within chr16:70,271,759-70,271,793 gives the same sequence; the c. name uses the placement nearest the transcript's 3' end. GRCh37 (hg19): chr16:70,305,666-70,305,696.
Identifiers: ClinVar variation 4888036 (VCV004888036.1).
Genomic context (GRCh38, chr16:70,271,758, plus strand): 5'-GCTGAGAAGAGAGCTACACAGCTCCGAGTTCCTCCTCCCCTGCTCAGCTCAAGGAAAGGA[A>ATGGAGTAGGAACCCAAGGCTACCTGTTATAC]TGGAGTAGGAACCCAAGGCTACCTGTTATACTGGATGAACACAAGGTTCCAGATCTCCAG-3'

ClinVar aggregate classification (germline): Uncertain significance (1 of 4 stars; one submission).

Submission:

GeneDx
Classification: Uncertain significance. Last evaluated: 2026-03-02. Review status: criteria provided, single submitter. Criteria: GeneDx Variant Classification Process June 2021. Collection method: clinical testing. Allele origin: germline.
Comment: Not observed in large population cohorts (gnomAD); In silico analysis suggests this variant may impact gene splicing. In the absence of RNA/functional studies, the actual effect of this sequence change is unknown.; Has not been previously published as pathogenic or benign to our knowledge